The following is an entry in ClinVar:

ClinVar aggregate classification (germline): Uncertain significance. Review status: criteria provided, multiple submitters, no conflicts (2 of 4 stars). 2 submissions from 2 submitters: Uncertain significance (2). Last evaluated 2026-08-10.

Conditions:
SIM1-related disorder. Also called: SIM1-related disorders; SIM1-related condition.
Inborn genetic diseases. Identifiers: MedGen C0950123, MeSH D030342.

gnomAD v4.1: 1 of 1,613,968 alleles (0.000062%); highest among the groups gnomAD compares: Admixed American, 0.0017%; no homozygotes.

Submissions (2):

PreventionGenetics, part of Exact Sciences
Classification: Uncertain significance for SIM1-related condition. Last evaluated: 2026-08-10. Review status: criteria provided, single submitter. Criteria: ACMG Guidelines, 2015. Collection method: clinical testing. Allele origin: germline.
Comment: The SIM1 c.88C>T variant is predicted to result in the amino acid substitution p.Pro30Ser. To our knowledge, this variant has not been reported in the literature or in a large population database (gnomAD), indicating this variant is rare. At this time, the clinical significance of this variant is uncertain due to the absence of conclusive functional and genetic evidence.

Ambry Genetics
Classification: Uncertain significance for Inborn genetic diseases. Last evaluated: 2026-02-23. Review status: criteria provided, single submitter. Criteria: Ambry Variant Classification Scheme 2023. Collection method: clinical testing. Allele origin: germline.

NM_005068.3(SIM1):c.88C>T (p.Pro30Ser)

Gene: SIM1 (SIM bHLH transcription factor 1; minus strand). Cytogenetic location: 6q16.3.
Variant type: single nucleotide variant.
Coding change: c.88C>T on transcript NM_005068.3 (MANE Select); coding-DNA position 88, C replaced by T.
Protein change: p.Pro30Ser; replaces proline 30 with serine.
Molecular consequence: missense variant.
Genome position (GRCh38, 1-based): chr6:100,463,381, G>A on the plus strand (C>T on the coding strand, the complement: SIM1 is on the minus strand). VCF-style: chr6-100463381-G-A. GRCh37 (hg19) VCF-style: chr6-100911257-G-A.
Other names: c.88C>T, p.Pro30Ser (NM_001374769.1); short protein forms P30S.
Identifiers: ClinVar variation 4840227 (VCV004840227.2).
Genomic context (GRCh38, chr6:100,463,381, plus strand): 5'-GATAGCTGGTCGTGAGTCTGATTATGGATGCTTTGTCCAGCTGCGAGGTGATAGCCGAGG[G>A]CAAAGGCAGTAATTTAGCCAGTTCATAAAATTCACTGTTTTCCTTCTCCCTCCTAGTCCG-3'
Protein context (NP_005059.2, residues 20-40): FYELAKLLPL[Pro30Ser]SAITSQLDKA